The following is an entry in ClinVar:

NM_001029883.3(PCARE):c.2449G>C (p.Glu817Gln)

Gene: PCARE (photoreceptor cilium actin regulator; minus strand). Cytogenetic location: 2p23.2.
Variant type: single nucleotide variant.
Coding change: c.2449G>C on transcript NM_001029883.3 (MANE Select); coding-DNA position 2449, G replaced by C.
Protein change: p.Glu817Gln; replaces glutamic acid 817 with glutamine.
Molecular consequence: missense variant.
Genome position (GRCh38, 1-based): chr2:29,071,813, C>G on the plus strand (G>C on the coding strand, the complement: PCARE is on the minus strand). VCF-style: chr2-29071813-C-G. GRCh37 (hg19) VCF-style: chr2-29294679-C-G.
Other names: short protein forms E817Q.
Identifiers: ClinVar variation 1051557 (VCV001051557.8), dbSNP rs1350344619, ClinGen allele CA346477512.

ClinVar aggregate classification (germline): Uncertain significance (1 of 4 stars; one submission).

Allele frequency attached by ClinVar (database versions not stated): gnomAD exomes below 0.00001; TOPMed below 0.00001; gnomAD 0.00002.
gnomAD v4.1: 4 of 1,614,028 alleles (0.00025%); highest among the groups gnomAD compares: African/African-American, 0.0053%; no homozygotes.

Submission:

Labcorp Genetics (formerly Invitae), Labcorp
Classification: Uncertain significance. Last evaluated: 2024-11-11. Review status: criteria provided, single submitter. Criteria: Invitae Variant Classification Sherloc (09022015). Collection method: clinical testing. Allele origin: germline.
Comment: This sequence change replaces glutamic acid, which is acidic and polar, with glutamine, which is neutral and polar, at codon 817 of the PCARE protein (p.Glu817Gln). This variant is present in population databases (no rsID available, gnomAD 0.01%). This variant has not been reported in the literature in individuals affected with PCARE-related conditions. ClinVar contains an entry for this variant (Variation ID: 1051557). An algorithm developed to predict the effect of missense changes on protein structure and function (PolyPhen-2) suggests that this variant is likely to be tolerated. In summary, the available evidence is currently insufficient to determine the role of this variant in disease. Therefore, it has been classified as a Variant of Uncertain Significance.